The following is an entry in ClinVar:

ClinVar aggregate classification (germline): Uncertain significance (1 of 4 stars; one submission).

Allele frequency attached by ClinVar (database versions not stated): 1000 Genomes Project 0.00020; 1000 Genomes Project 30x 0.00031; gnomAD exomes 0.00050; ExAC 0.00056.
gnomAD v4.1: 313 of 692,286 alleles (0.045%); highest among the groups gnomAD compares: Non-Finnish European, 0.056%; no homozygotes.

Submission:

Labcorp Genetics (formerly Invitae), Labcorp
Classification: Uncertain significance. Last evaluated: 2022-10-18. Review status: criteria provided, single submitter. Criteria: Invitae Variant Classification Sherloc (09022015). Collection method: clinical testing. Allele origin: germline.
Comment: This variant occurs in the RNU4ATAC gene, which encodes an RNA molecule that does not result in a protein product. This variant is present in population databases (rs564290155, gnomAD 0.06%), and has an allele count higher than expected for a pathogenic variant. This variant has not been reported in the literature in individuals affected with RNU4ATAC-related conditions. ClinVar contains an entry for this variant (Variation ID: 1471101). Experimental studies and prediction algorithms are not available or were not evaluated, and the functional significance of this variant is currently unknown. In summary, the available evidence is currently insufficient to determine the role of this variant in disease. Therefore, it has been classified as a Variant of Uncertain Significance.

NC_000002.12:g.121530883C>T

Genes: CLASP1-AS1 (CLASP1 antisense RNA 1; plus strand), RNU4ATAC (RNA, U4atac small nuclear; plus strand), CLASP1 (cytoplasmic linker associated protein 1; minus strand). Cytogenetic location: 2q14.2.
Variant type: single nucleotide variant.
Molecular consequence: intron variant (on NM_001395891.1).
Genome position: GRCh38 VCF-style: chr2-121530883-C-T. GRCh37 (hg19) VCF-style: chr2-122288459-C-T.
Other names: c.196-558G>A (NM_001142274.2, NM_015282.3, NM_001378003.1 and 5 more transcripts).
Identifiers: ClinVar variation 1471101 (VCV001471101.3), dbSNP rs564290155, ClinGen allele CA1854675.
Genomic context (GRCh38, chr2:121,530,883, plus strand): 5'-CCACAACCCTACCAGGTATTGGCGCTTCCTGCTTGCAGCCCAGGGACTTTCTATTATAAC[C>T]ATCCTTTTCTTGGGGTTGCGCTACTGTCCAATGAGCGCATAGTGAGGGCAGTACTGCTAA-3'